The following is an entry in ClinVar:

NM_000496.3(CRYBB2):c.159A>T (p.Leu53=)

Gene: CRYBB2 (crystallin beta B2; plus strand). Cytogenetic location: 22q11.23.
Variant type: single nucleotide variant.
Coding change: c.159A>T on transcript NM_000496.3 (MANE Select); coding-DNA position 159, A replaced by T.
Protein change: p.Leu53=; no amino-acid change (leucine 53 retained).
Molecular consequence: synonymous variant.
Genome position (GRCh38, 1-based): chr22:25,225,022, A>T. VCF-style: chr22-25225022-A-T. GRCh37 (hg19) VCF-style: chr22-25620989-A-T.
Identifiers: ClinVar variation 3347076 (VCV003347076.1).

ClinVar aggregate classification (germline): Likely benign (0 of 4 stars; one submission).

Conditions:
CRYBB2-related disorder. Also called: CRYBB2-related condition.

gnomAD v4.1: 1 of 1,601,440 alleles (0.000062%); highest among the groups gnomAD compares: Non-Finnish European, 0.000086%; no homozygotes.

Submission:

PreventionGenetics, part of Exact Sciences
Classification: Likely benign for CRYBB2-related condition. Last evaluated: 2024-06-11. Review status: no assertion criteria provided. Collection method: clinical testing. Allele origin: germline.
Comment: This variant is classified as likely benign based on ACMG/AMP sequence variant interpretation guidelines (Richards et al. 2015 PMID: 25741868, with internal and published modifications).